The following is an entry in ClinVar:

ClinVar aggregate classification (germline): Uncertain significance (1 of 4 stars; one submission).

Conditions:
Fanconi anemia complementation group J. Also called: BRIP1-Related Fanconi Anemia. Identifiers: Orphanet 84, MedGen C1836860, MONDO:0012187, OMIM 609054.
Familial cancer of breast. Also called: BREAST CANCER, FAMILIAL; Hereditary breast cancer; hereditary breast carcinoma. Identifiers: Orphanet 227535, MedGen C0346153, MONDO:0016419, OMIM 114480. Disease mechanism: loss of function.

Submission:

Labcorp Genetics (formerly Invitae), Labcorp
Classification: Uncertain significance for Familial cancer of breast; Fanconi anemia complementation group J. Last evaluated: 2023-07-14. Review status: criteria provided, single submitter. Criteria: Invitae Variant Classification Sherloc (09022015). Collection method: clinical testing. Allele origin: germline.
Comment: An algorithm developed to predict the effect of missense changes on protein structure and function (PolyPhen-2) suggests that this variant is likely to be tolerated. This variant has not been reported in the literature in individuals affected with BRIP1-related conditions. This variant is not present in population databases (gnomAD no frequency). This sequence change replaces isoleucine, which is neutral and non-polar, with threonine, which is neutral and polar, at codon 985 of the BRIP1 protein (p.Ile985Thr). In summary, the available evidence is currently insufficient to determine the role of this variant in disease. Therefore, it has been classified as a Variant of Uncertain Significance.

NM_032043.3(BRIP1):c.2954T>C (p.Ile985Thr)

Gene: BRIP1 (BRCA1 interacting DNA helicase 1; minus strand). Cytogenetic location: 17q23.2.
Variant type: single nucleotide variant.
Coding change: c.2954T>C on transcript NM_032043.3 (MANE Select); coding-DNA position 2954, T replaced by C.
Protein change: p.Ile985Thr; replaces isoleucine 985 with threonine.
Molecular consequence: missense variant.
Genome position (GRCh38, 1-based): chr17:61,684,092, A>G on the plus strand (T>C on the coding strand, the complement: BRIP1 is on the minus strand). VCF-style: chr17-61684092-A-G. GRCh37 (hg19) VCF-style: chr17-59761453-A-G.
Other names: short protein forms I985T.
Identifiers: ClinVar variation 2947589 (VCV002947589.3), dbSNP rs2144093180, ClinGen allele CA400480671.